The following is an entry in ClinVar:

NM_024989.4(PGAP1):c.1753C>G (p.Gln585Glu)

Gene: PGAP1 (post-GPI attachment to proteins inositol deacylase 1; minus strand). Cytogenetic location: 2q33.1.
Variant type: single nucleotide variant.
Coding change: c.1753C>G on transcript NM_024989.4 (MANE Select); coding-DNA position 1753, C replaced by G.
Protein change: p.Gln585Glu; replaces glutamine 585 with glutamic acid.
Molecular consequence: missense variant.
Genome position (GRCh38, 1-based): chr2:196,870,955, G>C on the plus strand (C>G on the coding strand, the complement: PGAP1 is on the minus strand). VCF-style: chr2-196870955-G-C. GRCh37 (hg19) VCF-style: chr2-197735679-G-C.
Other names: p.Gln585Glu; c.1231C>G, p.Gln411Glu (NM_001321099.2); c.586C>G, p.Gln196Glu (NM_001321100.2); short protein forms Q585E, Q411E, Q196E.
Identifiers: ClinVar variation 436291 (VCV000436291.60), dbSNP rs62185645, ClinGen allele CA2040807.

ClinVar aggregate classification (germline): Benign/Likely benign. Review status: criteria provided, multiple submitters, no conflicts (2 of 4 stars). 8 submissions from 8 submitters: Benign (3); Likely benign (5). Last evaluated 2026-04-01.

Conditions:
Intellectual disability, autosomal recessive 42 (NEDDSBA). Also called: GLYCOSYLPHOSPHATIDYLINOSITOL BIOSYNTHESIS DEFECT 9; Neurodevelopmental disorder with dysmorphic features, spasticity, and brain abnormalities. Identifiers: Orphanet 88616, MedGen C4014343, MONDO:0014348, OMIM 615802.
Hereditary spastic paraplegia. Also called: Familial spastic paraparesis. Identifiers: Orphanet 685, MedGen C0037773, MONDO:0019064. Disease mechanism: loss of function.

Allele frequency attached by ClinVar (database versions not stated): 1000 Genomes Project 30x 0.00187; 1000 Genomes Project 0.00200; gnomAD 0.00400 and 0.00410; TOPMed 0.00411; gnomAD exomes 0.00431 and 0.00554; ExAC 0.00509; ESP Exome Variant Server 0.00569.
gnomAD v4.1: 8,679 of 1,606,892 alleles (0.54%); highest among the groups gnomAD compares: Non-Finnish European, 0.67%; 35 homozygotes.

Submissions (18):

CeGaT Center for Human Genetics Tuebingen
Classification: Likely benign. Last evaluated: 2026-04-01. Review status: criteria provided, single submitter. Criteria: CeGaT Center For Human Genetics Tuebingen Variant Classification Criteria Version 2. Collection method: clinical testing. Allele origin: germline. Affected: yes. Observed: 22 variant alleles.
Comment: PGAP1: BP4, BS2

Labcorp Genetics (formerly Invitae), Labcorp
Classification: Benign for Intellectual disability, autosomal recessive 42. Last evaluated: 2026-01-15. Review status: criteria provided, single submitter. Criteria: Invitae Variant Classification Sherloc (09022015). Collection method: clinical testing. Allele origin: germline.

Mayo Clinic Laboratories, Mayo Clinic
Classification: Benign. Last evaluated: 2023-06-05. Review status: criteria provided, single submitter. Criteria: ACMG Guidelines, 2015. Collection method: clinical testing. Allele origin: germline. Observed: 6 variant alleles.
Comment: BS1, BS2, BP4

Genome Diagnostics Laboratory, The Hospital for Sick Children
Classification: Benign for Hereditary spastic paraplegia. Last evaluated: 2021-12-13. Review status: criteria provided, single submitter. Criteria: ACMG Guidelines, 2015. Collection method: clinical testing. Allele origin: germline. Affected: yes.

Mendelics
Classification: Likely benign for Intellectual disability, autosomal recessive 42. Last evaluated: 2019-05-28. Review status: criteria provided, single submitter. Criteria: Mendelics Assertion Criteria 2017. Collection method: clinical testing. Allele origin: unknown.

Center for Pediatric Genomic Medicine, Children's Mercy Hospital and Clinics
Classification: Likely benign. Last evaluated: 2017-07-19. Review status: criteria provided, single submitter. Criteria: ACMG Guidelines, 2015. Collection method: clinical testing. Allele origin: germline.

Genetic Services Laboratory, University of Chicago
Classification: Likely benign. Last evaluated: 2017-06-02. Review status: criteria provided, single submitter. Criteria: ACMG Guidelines, 2015. Collection method: clinical testing. Allele origin: germline. Affected: no.

Breakthrough Genomics
Classification: Likely benign. Review status: criteria provided, single submitter. Criteria: ACMG Guidelines, 2015. Collection method: not provided. Allele origin: germline. Inheritance: Autosomal recessive inheritance. Affected: yes.

Dr. Peter K. Rogan Lab, Western University
No classification provided (evidence only). Condition: Lung cancer. Review status: no classification provided. Collection method: in vitro. Allele origin: not applicable. Functional consequence: retained intron. Not counted in ClinVar's aggregate classification.

Dr. Peter K. Rogan Lab, Western University
No classification provided (evidence only). Condition: Lung cancer. Review status: no classification provided. Collection method: in vitro. Allele origin: not applicable. Functional consequence: retained intron. Not counted in ClinVar's aggregate classification.

Dr. Peter K. Rogan Lab, Western University
No classification provided (evidence only). Condition: Lung cancer. Review status: no classification provided. Collection method: in vitro. Allele origin: not applicable. Functional consequence: retained intron. Not counted in ClinVar's aggregate classification.

Dr. Peter K. Rogan Lab, Western University
No classification provided (evidence only). Condition: Acute myeloid leukemia. Review status: no classification provided. Collection method: in vitro. Allele origin: not applicable. Functional consequence: retained intron. Not counted in ClinVar's aggregate classification.

Dr. Peter K. Rogan Lab, Western University
No classification provided (evidence only). Condition: Acute myeloid leukemia. Review status: no classification provided. Collection method: in vitro. Allele origin: not applicable. Functional consequence: retained intron. Not counted in ClinVar's aggregate classification.

Dr. Peter K. Rogan Lab, Western University
No classification provided (evidence only). Condition: Thyroid cancer, nonmedullary, 1. Review status: no classification provided. Collection method: in vitro. Allele origin: not applicable. Functional consequence: retained intron. Not counted in ClinVar's aggregate classification.

Dr. Peter K. Rogan Lab, Western University
No classification provided (evidence only). Condition: Cervical cancer. Review status: no classification provided. Collection method: in vitro. Allele origin: not applicable. Functional consequence: retained intron. Not counted in ClinVar's aggregate classification.

Dr. Peter K. Rogan Lab, Western University
No classification provided (evidence only). Condition: Gastric cancer. Review status: no classification provided. Collection method: in vitro. Allele origin: not applicable. Functional consequence: retained intron. Not counted in ClinVar's aggregate classification.

Dr. Peter K. Rogan Lab, Western University
No classification provided (evidence only). Condition: Gastric cancer. Review status: no classification provided. Collection method: in vitro. Allele origin: not applicable. Functional consequence: retained intron. Not counted in ClinVar's aggregate classification.

Dr. Peter K. Rogan Lab, Western University
No classification provided (evidence only). Condition: Gastric cancer. Review status: no classification provided. Collection method: in vitro. Allele origin: not applicable. Functional consequence: retained intron. Not counted in ClinVar's aggregate classification.

Literature cited by the submitters: PubMed 24784135 (cited by Mayo Clinic Laboratories, Mayo Clinic).